The following is an entry in ClinVar:

ClinVar aggregate classification (germline): Likely pathogenic (1 of 4 stars; one submission).

Conditions:
DNAAF4-related disorder. Also called: DNAAF4-related condition.

Submission:

PreventionGenetics, part of Exact Sciences
Classification: Likely pathogenic for DNAAF4-related condition. Last evaluated: 2024-11-08. Review status: criteria provided, single submitter. Criteria: ACMG Guidelines, 2015. Collection method: clinical testing. Allele origin: germline.
Comment: The DNAAF4 c.676_677insTT variant is predicted to result in a frameshift and premature protein termination (p.Glu226Valfs*32). To our knowledge, this variant has not been reported in the literature or in a large population database (gnomAD), indicating this variant is rare. Frameshift variants in DNAAF4 are expected to be pathogenic. This variant is interpreted as likely pathogenic.

NM_130810.4(DNAAF4):c.676_677insTT (p.Glu226fs)

Genes: DNAAF4 (dynein axonemal assembly factor 4; minus strand), DNAAF4-CCPG1 (DNAAF4-CCPG1 readthrough (NMD candidate); minus strand). Cytogenetic location: 15q21.3.
Variant type: Insertion.
Coding change: c.676_677insTT on transcript NM_130810.4 (MANE Select); coding-DNA positions 676 to 677, TT inserted.
Protein change: p.Glu226fs; shifts the reading frame from glutamic acid 226.
Molecular consequence: frameshift variant. On other transcripts: non-coding transcript variant (1).
Genome position: GRCh38 VCF-style: chr15-55450328-T-TAA. GRCh37 (hg19) VCF-style: chr15-55742526-T-TAA.
Other names: c.676_677insTT, p.Glu226fs (NM_001033559.3, NM_001033560.2); short protein forms E226fs.
Identifiers: ClinVar variation 4998044 (VCV004998044.1).
Genomic context (GRCh38, chr15:55,450,328, plus strand): 5'-ACTCGAGGGGTAAAGTTGATTTTAATACTGCCAACAGAGCGAGGAGCAGGAATACTGTCT[T>TAA]CCTTTAACTTCTCAGTAAATATATTTTCTGAATTTCTCCCTTCAAAAACAATGGTAGCAA-3'